The following is an entry in ClinVar:

NM_001127222.2(CACNA1A):c.2134G>A (p.Ala712Thr)

Gene: CACNA1A (calcium voltage-gated channel subunit alpha1 A; minus strand). Cytogenetic location: 19p13.13.
Variant type: single nucleotide variant.
Coding change: c.2134G>A on transcript NM_001127222.2 (MANE Select); coding-DNA position 2134, G replaced by A.
Protein change: p.Ala712Thr; replaces alanine 712 with threonine.
Molecular consequence: missense variant.
Genome position (GRCh38, 1-based): chr19:13,303,584, C>T on the plus strand (G>A on the coding strand, the complement: CACNA1A is on the minus strand). VCF-style: chr19-13303584-C-T. GRCh37 (hg19) VCF-style: chr19-13414398-C-T.
Other names: p.A713T; p.Ala712Thr; c.2137G>A, p.Ala713Thr (NM_000068.4, NM_001127221.2, NM_001174080.2 and 1 more transcripts); short protein forms A713T, A712T.
Identifiers: ClinVar variation 254268 (VCV000254268.53), dbSNP rs886037945, ClinGen allele CA10586394.
Genomic context (GRCh38, chr19:13,303,584, plus strand): 5'-AACATTCTCCCACCGCCTCCACCTTGGTGAGCTCCTGGGCGTTGGCCAGATTGTCCACAG[C>T]GATGGCCAAGAACACATTCAGGAGGGTGTCTGCAAATGTCTGAGTCAGGAAAAGCAACCA-3'
Protein context (NP_001120694.1, residues 702-722): YTLLNVFLAI[Ala712Thr]VDNLANAQEL

ClinVar aggregate classification (germline): Pathogenic/Likely pathogenic. Review status: criteria provided, multiple submitters, no conflicts (2 of 4 stars). 14 submissions from 14 submitters: Pathogenic (9); Likely pathogenic (3). 2 of the submissions do not count toward it. Last evaluated 2025-07-30.

Conditions:
Episodic ataxia type 2 (EA2). Also called: EPISODIC ATAXIA, NYSTAGMUS-ASSOCIATED; ACETAZOLAMIDE-RESPONSIVE HEREDITARY PAROXYSMAL CEREBELLAR ATAXIA; ATAXIA, EPISODIC, WITH NYSTAGMUS; ATAXIA, FAMILIAL PAROXYSMAL; CEREBELLAR ATAXIA, PAROXYSMAL, ACETAZOLAMIDE-RESPONSIVE; CEREBELLOPATHY, HEREDITARY PAROXYSMAL. Identifiers: Orphanet 97, MedGen C1720416, MONDO:0007163, OMIM 108500.
Developmental and epileptic encephalopathy, 42 (DEE42A). Also called: Epileptic encephalopathy, early infantile, 42; DEVELOPMENTAL AND EPILEPTIC ENCEPHALOPATHY 42A; EPILEPTIC ENCEPHALOPATHY, EARLY INFANTILE, 42A. Identifiers: MedGen C4310716, MONDO:0014917, OMIM 617106.
Spinocerebellar ataxia type 6 (SCA6). Identifiers: Orphanet 98758, MedGen C0752124, MONDO:0008457, OMIM 183086.
Migraine, familial hemiplegic, 1. Also called: MIGRAINE, FAMILIAL HEMIPLEGIC 1, WITH PROGRESSIVE CEREBELLAR ATAXIA. Identifiers: Orphanet 569, MedGen C1832884, MONDO:0020756, OMIM 141500, MONDO:0007714.
Inborn genetic diseases. Identifiers: MedGen C0950123, MeSH D030342.
Developmental and epileptic encephalopathy, 52 (DEE52). Also called: Epileptic encephalopathy, early infantile, 52. Identifiers: MedGen C4479236, MONDO:0033361, OMIM 617350.
Familial hemiplegic migraine. Identifiers: MedGen C0338484, MONDO:0000700.
CACNA1A-related disorder. Also called: CACNA1A-related condition.
Abnormality of the nervous system. Also called: Congenital nervous system disorder. Identifiers: MedGen C0497552, MONDO:0002320, HP:0000707.

Submissions (14):

Labcorp Genetics (formerly Invitae), Labcorp
Classification: Pathogenic for Developmental and epileptic encephalopathy, 42; Episodic ataxia type 2. Last evaluated: 2025-07-30. Review status: criteria provided, single submitter. Criteria: Invitae Variant Classification Sherloc (09022015). Collection method: clinical testing. Allele origin: germline.
Comment: This sequence change replaces alanine, which is neutral and non-polar, with threonine, which is neutral and polar, at codon 713 of the CACNA1A protein (p.Ala713Thr). This variant is not present in population databases (gnomAD no frequency). This missense change has been observed in individual(s) with epileptic encephalopathy (PMID: 23934111, 29186148). In at least one individual the variant was observed to be de novo. ClinVar contains an entry for this variant (Variation ID: 254268). Invitae Evidence Modeling of protein sequence and biophysical properties (such as structural, functional, and spatial information, amino acid conservation, physicochemical variation, residue mobility, and thermodynamic stability) indicates that this missense variant is expected to disrupt CACNA1A protein function with a positive predictive value of 95%. For these reasons, this variant has been classified as Pathogenic.

Center of Human Genetics, Hôpital Erasme
Classification: Pathogenic for Developmental and epileptic encephalopathy, 42. Last evaluated: 2025-01-01. Review status: criteria provided, single submitter. Criteria: ACMG Guidelines, 2015. Collection method: clinical testing. Allele origin: de novo. Affected: yes.

3billion
Classification: Pathogenic for Developmental and epileptic encephalopathy, 42. Last evaluated: 2024-09-29. Review status: criteria provided, single submitter. Criteria: ACMG Guidelines, 2015. Collection method: clinical testing. Allele origin: germline. Affected: yes.
Comment: The variant is not observed in the gnomAD v4.1.0 dataset. Predicted Consequence/Location: Missense variant In silico tool predictions suggest damaging effect of the variant on gene or gene product [REVEL: 0.95 (>=0.6, sensitivity 0.68 and specificity 0.92); 3Cnet: 0.91 (>=0.6, sensitivity 0.72 and precision 0.9)]. The same nucleotide change resulting in the same amino acid change has been previously reported as pathogenic/likely pathogenic with strong evidence (ClinVar ID: VCV000254268 /PMID: 23934111 /3billion dataset). The variant has been previously reported as de novo in at least two similarly affected unrelated individuals (PMID: 23934111, 29186148). The variant has been observed in at least two similarly affected unrelated individuals (PMID: 23934111, 29186148). A different missense change at the same codon (p.Ala712Ser) has been reported to be associated with CACNA1A-related disorder (ClinVar ID: VCV000997449). Therefore, this variant is classified as Pathogenic according to the recommendation of ACMG/AMP guideline.

Blueprint Genetics
Classification: Pathogenic for CACNA1A-related disorders. Last evaluated: 2023-09-07. Review status: criteria provided, single submitter. Criteria: ACMG Guidelines, 2015. Collection method: clinical testing. Allele origin: de novo. Affected: yes. Observed: 4 variant alleles.

Foundation for Research in Genetics and Endocrinology, FRIGE's Institute of Human Genetics
Classification: Likely pathogenic for Developmental and epileptic encephalopathy, 42. Last evaluated: 2023-01-30. Review status: criteria provided, single submitter. Criteria: ACMG Guidelines, 2015. Collection method: clinical testing. Allele origin: germline. Inheritance: Autosomal dominant inheritance. Affected: yes. Observed: 1 heterozygote.
Comment: A heterozygous missense variation in exon 17 of the CACNA1A gene that results in the amino acid substitution of Threonine for Alanine at codon 712 (p.Ala712Thr) was detected. This variant has not been reported in the 1000 genomes and gnomAD databases. The in silico predictions of the variant are probably damaging by PolyPhen-2 (HumDiv) and damaging by SIFT, LRT and MutationTaster2. The reference codon is conserved across species. In summary, the variant meets our criteria to be classified as a Likely Pathogenic.

Wendy Chung Laboratory, Boston Children's Hospital
Classification: Likely pathogenic for Developmental and epileptic encephalopathy, 52; Episodic ataxia type 2; Migraine, familial hemiplegic, 1; Spinocerebellar ataxia type 6. Last evaluated: 2022-03-20. Review status: criteria provided, single submitter. Criteria: ACMG Guidelines, 2015. Collection method: clinical testing. Allele origin: de novo. Affected: yes.

GeneDx
Classification: Pathogenic. Last evaluated: 2022-01-21. Review status: criteria provided, single submitter. Criteria: GeneDx Variant Classification Process June 2021. Collection method: clinical testing. Allele origin: germline. Affected: yes.
Comment: Not observed at significant frequency in large population cohorts (gnomAD); In silico analysis supports that this missense variant has a deleterious effect on protein structure/function; This variant is associated with the following publications: (PMID: 27476654, 29186148, 23934111, 28488083, 26633542, 28455667, 31175295, 33425808, 29100083, 31468518, 32005694, 34102571, 34263451)

Fulgent Genetics
Classification: Pathogenic for Episodic ataxia type 2; Migraine, familial hemiplegic, 1; Spinocerebellar ataxia type 6; Developmental and epileptic encephalopathy, 42. Last evaluated: 2021-09-18. Review status: criteria provided, single submitter. Criteria: ACMG Guidelines, 2015. Collection method: clinical testing. Allele origin: unknown.

Kariminejad - Najmabadi Pathology & Genetics Center
Classification: Pathogenic for Abnormality of the nervous system. Last evaluated: 2021-07-10. Review status: criteria provided, single submitter. Criteria: ACMG Guidelines, 2015. Collection method: clinical testing. Allele origin: germline. Affected: yes.

Illumina Laboratory Services, Illumina
Classification: Pathogenic for Developmental and epileptic encephalopathy, 42. Last evaluated: 2019-12-04. Review status: criteria provided, single submitter. Criteria: ICSLVariantClassificationCriteria RUGD 01 April 2020. Collection method: clinical testing. Allele origin: unknown.
Comment: The CACNA1A c.2137G>A (p.Ala713Thr) variant is a missense variant that has been reported in a heterozygous, de novo state in at least three unrelated individuals with epilepsy syndromes (Epi4K Consortium, Epilepsy Phenome/Genome Project 2013; Epi4K Consortium 2016; Balck et al. 2017). In this case, the variant was inherited from an unaffected parent who was mosaic for the variant with 6% mutational load in lymphocyte-derived DNA (Balck et al. 2017). In addition to early onset of multiple seizure types, individuals with this variant also showed abnormal movements in utero, ataxic movements and gait, mild dysmetria, dystonic posturing, and developmental delay/intellectual disability. The p.Ala713Thr variant is not found in the Genome Aggregation Database in a region of good sequencing coverage. Based on the collective evidence, the p.Ala713Thr variant is classified as pathogenic for early infantile epileptic encephalopathy.

Cytogénomique, Hospices Civils de Lyon
Classification: Pathogenic for Developmental and epileptic encephalopathy, 42. Last evaluated: 2018-07-23. Review status: criteria provided, single submitter. Criteria: ACMG Guidelines, 2015. Collection method: clinical testing. Allele origin: de novo. Inheritance: Autosomal dominant inheritance. Affected: yes.

Ambry Genetics
Classification: Likely pathogenic for Inborn genetic diseases. Last evaluated: 2015-08-05. Review status: criteria provided, single submitter. Criteria: Ambry exome assertion method (8-5-2015). Collection method: clinical testing. Allele origin: germline. Affected: yes. Observed: 1 variant allele.

Cytoplasmic Inheritance Laboratory, Institute of Genetics and Cytology
Classification: Likely pathogenic for Developmental and epileptic encephalopathy, 42. Last evaluated: 2022-05-31. Review status: no assertion criteria provided. Collection method: clinical testing. Allele origin: de novo. Affected: yes. Observed: 1 variant allele. Not counted in ClinVar's aggregate classification.
Comment: We consider the variant NM_001127221.2:c.2137G>A as disease-causing; it results in an amino acid substitution p.Ala713Thr.

The variant is absent in publicly available population databases (gnomAD, 1000Genomes).

OMIM
Classification: Pathogenic for DEVELOPMENTAL AND EPILEPTIC ENCEPHALOPATHY 42A. Last evaluated: 2013-09-12. Review status: no assertion criteria provided. Collection method: literature only. Allele origin: unknown. Not counted in ClinVar's aggregate classification.

Literature cited by the submitters: PubMed 23934111 (cited by 5 submitters); PubMed 29186148 (cited by Labcorp Genetics (formerly Invitae), Labcorp and 3billion); PubMed 27476654 (cited by Illumina Laboratory Services, Illumina and OMIM); PubMed 28455667 (cited by Illumina Laboratory Services, Illumina).